The following is an entry in ClinVar:

NM_170682.4(P2RX2):c.1053dup (p.Val352fs)

Gene: P2RX2 (purinergic receptor P2X 2; plus strand). Cytogenetic location: 12q24.33.
Variant type: Duplication.
Coding change: c.1053dup on transcript NM_170682.4 (MANE Select); coding-DNA position 1053, one base duplicated (C; older notation c.1053dupC).
Protein change: p.Val352fs; shifts the reading frame from valine 352.
Molecular consequence: frameshift variant. On other transcripts: 3 prime UTR variant (1).
Genome position (GRCh38, 1-based): chr12:132,621,531, C duplicated; the last of 2 consecutive C bases (chr12:132,621,530-132,621,531); duplicating either gives the same sequence. VCF-style (leftmost placement, unchanged base first): chr12-132621529-T-TC. GRCh37 (hg19) VCF-style: chr12-133198115-T-TC.
Other names: c.951dup, p.Val318fs (NM_001282164.2); c.*22dup (NM_001282165.2); c.837dup, p.Val280fs (NM_012226.5); c.981dup, p.Val328fs (NM_016318.4); c.1053dup, p.Val352fs (NM_170683.4, NM_174873.3); c.777dup, p.Val260fs (NM_174872.3); short protein forms V260fs, V280fs, V318fs, V328fs, V352fs.
Identifiers: ClinVar variation 5040662 (VCV005040662.1).

ClinVar aggregate classification (germline): Uncertain significance (1 of 4 stars; one submission).

Submission:

CeGaT Center for Human Genetics Tuebingen
Classification: Uncertain significance. Last evaluated: 2026-08-01. Review status: criteria provided, single submitter. Criteria: CeGaT Center For Human Genetics Tuebingen Variant Classification Criteria Version 2. Collection method: clinical testing. Allele origin: germline. Affected: yes. Observed: 1 variant allele.
Comment: P2RX2: PM2